The following is an entry in ClinVar:

NM_001146227.3(RPS20):c.334-10dup

Gene: RPS20 (ribosomal protein S20; minus strand). Cytogenetic location: 8q12.1.
Variant type: Duplication.
Coding change: c.334-10dup on transcript NM_001146227.3; 10 bases into the intron before coding-DNA position 334, one base duplicated (T; older notation c.334-10dupT).
Molecular consequence: intron variant.
Genome position (GRCh38, 1-based): chr8:56,069,843, A duplicated on the plus strand (T on the coding strand, the reverse complement: RPS20 is on the minus strand); the first of 4 consecutive A bases (chr8:56,069,843-56,069,846); duplicating any one gives the same sequence. VCF-style (leftmost placement, unchanged base first): chr8-56069842-C-CA. GRCh37 (hg19) VCF-style: chr8-56982401-C-CA.
Identifiers: ClinVar variation 5042442 (VCV005042442.1).
Genomic context (GRCh38, chr8:56,069,842, plus strand): 5'-TGTACTGCTGGCCCTCTGTATCCATGGGTTCTGCATCTGTAGATTCGATCAACTGTAGAT[C>CA]AAAAGTATTCAGAAAAAAAATTGTCTCTACTGCACATGTATAGACATTCTTTTTCTTGTC-3'

ClinVar aggregate classification (germline): Likely benign (1 of 4 stars; one submission).

Conditions:
Familial colorectal cancer type X. Identifiers: Orphanet 440437, MedGen C3896578, MONDO:0018604.

Submission:

Myriad Genetics, Inc.
Classification: Likely benign for Familial colorectal cancer type X. Last evaluated: 2026-08-03. Review status: criteria provided, single submitter. Criteria: Myriad Autosomal Dominant, Autosomal Recessive and X-Linked Classification Criteria (2023). Collection method: clinical testing. Allele origin: unknown.
Comment: This variant is considered likely benign. This variant is intronic and is not expected to impact mRNA splicing.